The following is an entry in ClinVar:

ClinVar aggregate classification (germline): Uncertain significance (1 of 4 stars; one submission).

Conditions:
FGFR2-related craniosynostosis. Identifiers: MedGen CN231480.

Submission:

Labcorp Genetics (formerly Invitae), Labcorp
Classification: Uncertain significance for FGFR2-related craniosynostosis. Last evaluated: 2022-07-12. Review status: criteria provided, single submitter. Criteria: Invitae Variant Classification Sherloc (09022015). Collection method: clinical testing. Allele origin: germline.
Comment: This variant is not present in population databases (gnomAD no frequency). This sequence change replaces asparagine, which is neutral and polar, with serine, which is neutral and polar, at codon 331 of the FGFR2 protein (p.Asn331Ser). This variant has not been reported in the literature in individuals affected with FGFR2-related conditions. In summary, the available evidence is currently insufficient to determine the role of this variant in disease. Therefore, it has been classified as a Variant of Uncertain Significance. Algorithms developed to predict the effect of missense changes on protein structure and function are either unavailable or do not agree on the potential impact of this missense change (SIFT: "Deleterious"; PolyPhen-2: "Probably Damaging"; Align-GVGD: "Class C0"). ClinVar contains an entry for this variant (Variation ID: 1509054).

NM_000141.5(FGFR2):c.992A>G (p.Asn331Ser)

Gene: FGFR2 (fibroblast growth factor receptor 2; minus strand). Cytogenetic location: 10q26.13.
Variant type: single nucleotide variant.
Coding change: c.992A>G on transcript NM_000141.5 (MANE Select); coding-DNA position 992, A replaced by G.
Protein change: p.Asn331Ser; replaces asparagine 331 with serine.
Molecular consequence: missense variant. On other transcripts: non-coding transcript variant (1), intron variant (5).
Genome position (GRCh38, 1-based): chr10:121,517,411, T>C on the plus strand (A>G on the coding strand, the complement: FGFR2 is on the minus strand). VCF-style: chr10-121517411-T-C. GRCh37 (hg19) VCF-style: chr10-123276925-T-C.
Other names: c.725A>G, p.Asn242Ser (NM_001144915.2, NM_023029.3); c.647A>G, p.Asn216Ser (NM_001144916.2, NM_001144918.2); c.308A>G, p.Asn103Ser (NM_001320654.2); c.992A>G, p.Asn331Ser (NM_001320658.2); c.749-2092A>G (NM_001144914.1); c.939+2568A>G (NM_001144917.2); c.1087+1271A>G (NM_022970.4, NM_001144913.1); c.820+1271A>G (NM_001144919.2); short protein forms N103S, N216S, N242S, N331S.
Identifiers: ClinVar variation 1509054 (VCV001509054.6), dbSNP rs2134258264, ClinGen allele CA378328241.